The following is an entry in ClinVar:

NM_017534.6(MYH2):c.4297G>A (p.Asp1433Asn)

Genes: MYHAS (myosin heavy chain gene cluster antisense RNA; plus strand), MYH2 (myosin heavy chain 2; minus strand). Cytogenetic location: 17p13.1.
Variant type: single nucleotide variant.
Coding change: c.4297G>A on transcript NM_017534.6 (MANE Select); coding-DNA position 4297, G replaced by A.
Protein change: p.Asp1433Asn; replaces aspartic acid 1433 with asparagine.
Molecular consequence: missense variant.
Genome position (GRCh38, 1-based): chr17:10,525,767, C>T on the plus strand (G>A on the coding strand, the complement: MYH2 is on the minus strand). VCF-style: chr17-10525767-C-T. GRCh37 (hg19) VCF-style: chr17-10429084-C-T.
Other names: c.4297G>A, p.Asp1433Asn (NM_001100112.2); short protein forms D1433N.
Identifiers: ClinVar variation 2861782 (VCV002861782.3), dbSNP rs1370113654, ClinGen allele CA398126172.

ClinVar aggregate classification (germline): Uncertain significance (1 of 4 stars; one submission).

Conditions:
Myopathy, proximal, and ophthalmoplegia (CMYO6). Also called: INCLUSION BODY MYOPATHY 3, AUTOSOMAL DOMINANT; MYOPATHY WITH CONGENITAL JOINT CONTRACTURES, OPHTHALMOPLEGIA, AND RIMMED VACUOLES; CONGENITAL MYOPATHY 6 WITH OPHTHALMOPLEGIA. Identifiers: Orphanet 363677, Orphanet 79091, MedGen C1854106, MONDO:0011577, OMIM 605637.

Submission:

Labcorp Genetics (formerly Invitae), Labcorp
Classification: Uncertain significance for Myopathy, proximal, and ophthalmoplegia. Last evaluated: 2023-05-02. Review status: criteria provided, single submitter. Criteria: Invitae Variant Classification Sherloc (09022015). Collection method: clinical testing. Allele origin: germline.
Comment: In summary, the available evidence is currently insufficient to determine the role of this variant in disease. Therefore, it has been classified as a Variant of Uncertain Significance. Advanced modeling of protein sequence and biophysical properties (such as structural, functional, and spatial information, amino acid conservation, physicochemical variation, residue mobility, and thermodynamic stability) performed at Invitae indicates that this missense variant is expected to disrupt MYH2 protein function. This variant has not been reported in the literature in individuals affected with MYH2-related conditions. This variant is not present in population databases (gnomAD no frequency). This sequence change replaces aspartic acid, which is acidic and polar, with asparagine, which is neutral and polar, at codon 1433 of the MYH2 protein (p.Asp1433Asn).